The following is an entry in ClinVar:

ClinVar aggregate classification (germline): Likely benign (1 of 4 stars; one submission).

Allele frequency attached by ClinVar (database versions not stated): ESP Exome Variant Server 0.00008.
gnomAD v4.1: 21 of 1,614,034 alleles (0.0013%); highest among the groups gnomAD compares: Non-Finnish European, 0.0018%; no homozygotes.

Submission:

CeGaT Center for Human Genetics Tuebingen
Classification: Likely benign. Last evaluated: 2023-07-01. Review status: criteria provided, single submitter. Criteria: CeGaT Center For Human Genetics Tuebingen Variant Classification Criteria Version 2. Collection method: clinical testing. Allele origin: germline. Affected: yes. Observed: 1 variant allele.
Comment: TLE6: BP4, BP7

NM_001143986.2(TLE6):c.841C>A (p.Arg281=)

Gene: TLE6 (TLE family member 6, subcortical maternal complex member; plus strand). Cytogenetic location: 19p13.3.
Variant type: single nucleotide variant.
Coding change: c.841C>A on transcript NM_001143986.2 (MANE Select); coding-DNA position 841, C replaced by A.
Protein change: p.Arg281=; no amino-acid change (arginine 281 retained).
Molecular consequence: synonymous variant.
Genome position (GRCh38, 1-based): chr19:2,989,161, C>A. VCF-style: chr19-2989161-C-A. GRCh37 (hg19) VCF-style: chr19-2989159-C-A.
Other names: c.472C>A, p.Arg158= (NM_024760.3).
Identifiers: ClinVar variation 2648980 (VCV002648980.24), dbSNP rs375035546, ClinGen allele CA9072843.
Genomic context (GRCh38, chr19:2,989,161, plus strand): 5'-CCAGATGCCTTGCCCGGGCAGTCAAAGAGACTCGCCGTCCCGTGCAAACTGGAAAAGATG[C>A]GGATCTTGGCACACGGGGAGCTCGTGCTCGCCACGGCCATCAGCAGCTTCACGCGGCACG-3'
Protein context (NP_001137458.1, residues 271-291): LAVPCKLEKM[Arg281=]ILAHGELVLA